The following is an entry in ClinVar:

NM_006231.4(POLE):c.2550C>T (p.Ile850=)

Gene: POLE (DNA polymerase epsilon, catalytic subunit; minus strand). Cytogenetic location: 12q24.33.
Variant type: single nucleotide variant.
Coding change: c.2550C>T on transcript NM_006231.4 (MANE Select); coding-DNA position 2550, C replaced by T.
Protein change: p.Ile850=; no amino-acid change (isoleucine 850 retained).
Molecular consequence: synonymous variant.
Genome position (GRCh38, 1-based): chr12:132,664,381, G>A on the plus strand (C>T on the coding strand, the complement: POLE is on the minus strand). VCF-style: chr12-132664381-G-A. GRCh37 (hg19) VCF-style: chr12-133240967-G-A.
Other names: p.Ile850=.
Identifiers: ClinVar variation 221167 (VCV000221167.55), dbSNP rs5744834, ClinGen allele CA348212.

ClinVar aggregate classification (germline): Benign/Likely benign. Review status: criteria provided, multiple submitters, no conflicts (2 of 4 stars). 19 submissions from 19 submitters: Benign (14); Likely benign (1). 4 of the submissions do not count toward it. Last evaluated 2026-07-10.

Conditions:
Polymerase proofreading-related adenomatous polyposis. Also called: Polymerase proofreading associated polyposis; Polymerase proofreading–associated polyposis (PPAP). Identifiers: Orphanet 447877, MedGen C5202613, MONDO:0018653.
Familial colorectal cancer type X. Identifiers: Orphanet 440437, MedGen C3896578, MONDO:0018604.
Intrauterine growth retardation, metaphyseal dysplasia, adrenal hypoplasia congenita, genital anomalies, and immunodeficiency. Also called: IMAGEI SYNDROME. Identifiers: MedGen C5193036, MONDO:0032684, OMIM 618336.
Facial dysmorphism-immunodeficiency-livedo-short stature syndrome. Also called: Facial dysmorphism, immunodeficiency, livedo, and short stature; FILS syndrome. Identifiers: Orphanet 352712, MedGen C3554576, MONDO:0014058, OMIM 615139.
Colorectal cancer, susceptibility to, 12 (CRCS12). Also called: COLORECTAL CANCER, SUSCEPTIBILITY TO, ON CHROMOSOME 12q24. Identifiers: Orphanet 220460, MedGen C3554460, MONDO:0014038, OMIM 615083.
Hereditary cancer-predisposing syndrome. Also called: Neoplastic Syndromes, Hereditary; Hereditary Cancer Syndrome; Tumor predisposition; Hereditary neoplastic syndrome. Identifiers: Orphanet 140162, MedGen C0027672, MeSH D009386, MONDO:0015356.

Allele frequency attached by ClinVar (database versions not stated): ExAC 0.00432; 1000 Genomes Project 0.01378; gnomAD 0.01392 and 0.01438; TOPMed 0.01550; ESP Exome Variant Server 0.01561; 1000 Genomes Project 30x 0.01593; gnomAD exomes 0.00357.
gnomAD v4.1: 4,284 of 1,613,584 alleles (0.27%); highest among the groups gnomAD compares: African/African-American, 4.7%; 107 homozygotes.

Submissions (19):

Institute for Biomarker Research, Medical Diagnostic Laboratories, L.L.C.
Classification: Benign for Hereditary cancer-predisposing syndrome. Last evaluated: 2026-07-10. Review status: criteria provided, single submitter. Criteria: ACMG Guidelines, 2015. Collection method: clinical testing. Allele origin: germline.
Comment: The synonymous variant NM_006231.4(POLE):c.2550C>T (p.Ile850=) has been reported to ClinVar as Benign/Likely benign with a status of (2 stars) criteria provided, multiple submitters, no conflicts Accession: VCV000221167.52). The variant is observed in one or more well-documented healthy adults. The p.Ile850= variant is observed in 744/16,248 (4.579%) alleles from individuals of gnomAD African background in gnomAD All. The p.Ile850= variant is observed in 69/5,008 (1.3778%) alleles from individuals of 1kG All background in 1kG All, indicating it is a common benign variant. The p.Ile850= variant is not predicted to disrupt the existing donor splice site 12bp upstream by any splice site algorithm. The p.Ile850= variant results in a substitution of a base that is not predicted conserved by GERP++ and PhyloP. For these reasons, this variant has been classified as Benign.

Labcorp Genetics (formerly Invitae), Labcorp
Classification: Benign. Last evaluated: 2026-02-03. Review status: criteria provided, single submitter. Criteria: Invitae Variant Classification Sherloc (09022015). Collection method: clinical testing. Allele origin: germline.

CeGaT Center for Human Genetics Tuebingen
Classification: Benign. Last evaluated: 2025-07-01. Review status: criteria provided, single submitter. Criteria: CeGaT Center For Human Genetics Tuebingen Variant Classification Criteria Version 2. Collection method: clinical testing. Allele origin: germline. Affected: yes. Observed: 1 variant allele.
Comment: POLE: BP4, BP7, BS1, BS2

ARUP Laboratories, Molecular Genetics and Genomics, ARUP Laboratories
Classification: Benign. Last evaluated: 2025-05-01. Review status: criteria provided, single submitter. Criteria: ARUP Molecular Germline Variant Investigation Process 2024. Collection method: clinical testing. Allele origin: germline.

Mayo Clinic Laboratories, Mayo Clinic
Classification: Benign. Last evaluated: 2025-03-21. Review status: criteria provided, single submitter. Criteria: ACMG Guidelines, 2015. Collection method: clinical testing. Allele origin: germline. Observed: 3 variant alleles.
Comment: BS1, BS2, BP4, BP7

Center for Genomic Medicine, Rigshospitalet, Copenhagen University Hospital
Classification: Benign. Last evaluated: 2025-03-04. Review status: criteria provided, single submitter. Criteria: ACMG Guidelines, 2015. Collection method: clinical testing. Allele origin: germline.

KCCC/NGS Laboratory, Kuwait Cancer Control Center
Classification: Benign for Colorectal cancer, susceptibility to, 12. Last evaluated: 2023-07-07. Review status: criteria provided, single submitter. Criteria: ACMG Guidelines, 2015. Collection method: clinical testing. Allele origin: germline. Affected: yes.

Fulgent Genetics
Classification: Likely benign for Colorectal cancer, susceptibility to, 12; Facial dysmorphism-immunodeficiency-livedo-short stature syndrome; Intrauterine growth retardation, metaphyseal dysplasia, adrenal hypoplasia congenita, genital anomalies, and immunodeficiency. Last evaluated: 2022-04-05. Review status: criteria provided, single submitter. Criteria: ACMG Guidelines, 2015. Collection method: clinical testing. Allele origin: unknown.

Department of Pathology and Laboratory Medicine, Sinai Health System
Classification: Benign for Polymerase proofreading-related adenomatous polyposis; Familial colorectal cancer type X. Last evaluated: 2019-11-12. Review status: criteria provided, single submitter. Criteria: ACMG Guidelines, 2015. Collection method: clinical testing. Allele origin: germline. Affected: yes.

PreventionGenetics, part of Exact Sciences
Classification: Benign. Last evaluated: 2017-04-21. Review status: criteria provided, single submitter. Criteria: ACMG Guidelines, 2015. Collection method: clinical testing. Allele origin: germline.

Quest Diagnostics Nichols Institute San Juan Capistrano
Classification: Benign. Last evaluated: 2016-08-17. Review status: criteria provided, single submitter. Criteria: Quest Diagnostics criteria. Collection method: clinical testing. Allele origin: unknown.

Women's Health and Genetics/Laboratory Corporation of America, LabCorp
Classification: Benign. Last evaluated: 2016-05-24. Review status: criteria provided, single submitter. Criteria: LabCorp Variant Classification Summary - May 2015. Collection method: clinical testing. Allele origin: germline.
Comment: Variant summary: The POLE c.2550C>T (p.Ile850Ile) variant involves the alteration of a non-conserved nucleotide, resulting in a synonymous change. One in silico tool predicts a polymorphism outcome for this variant. 4/5 splice prediction tools predict no significant impact on normal splicing. This variant was found in 524/121336 control chromosomes (13 homozygotes) at a frequency of 0.0043186, which is approximately 304 times the estimated maximal expected allele frequency of a pathogenic POLE variant (0.0000142), suggesting this variant is likely a benign polymorphism. In addition, one clinical diagnostic laboratory classified this variant as benign. Taken together, this variant is classified as benign.

GeneDx
Classification: Benign. Last evaluated: 2015-11-11. Review status: criteria provided, single submitter. Criteria: GeneDx Variant Classification (06012015). Collection method: clinical testing. Allele origin: germline. Affected: yes.
Comment: This variant is considered likely benign or benign based on one or more of the following criteria: it is a conservative change, it occurs at a poorly conserved position in the protein, it is predicted to be benign by multiple in silico algorithms, and/or has population frequency not consistent with disease.

Ambry Genetics
Classification: Benign for Hereditary cancer-predisposing syndrome. Last evaluated: 2015-05-21. Review status: criteria provided, single submitter. Criteria: Ambry Variant Classification Scheme 2023. Collection method: clinical testing. Allele origin: germline.

Breakthrough Genomics
Classification: Benign. Review status: criteria provided, single submitter. Criteria: ACMG Guidelines, 2015. Collection method: not provided. Allele origin: germline. Inheritance: Autosomal recessive inheritance. Affected: yes.

True Health Diagnostics
Classification: Likely benign for Hereditary cancer-predisposing syndrome. Last evaluated: 2018-01-05. Review status: no assertion criteria provided. Collection method: clinical testing. Allele origin: germline. Not counted in ClinVar's aggregate classification.

Counsyl
Classification: Benign for Colorectal cancer, susceptibility to, 12. Last evaluated: 2016-06-07. Review status: no assertion criteria provided. Collection method: clinical testing. Allele origin: unknown. Not counted in ClinVar's aggregate classification.

Clinical Genetics, Academic Medical Center
Classification: Benign. Review status: no assertion criteria provided. Collection method: clinical testing. Allele origin: germline. Affected: yes. Study: VKGL Data-share Consensus. Not counted in ClinVar's aggregate classification.

Genome Diagnostics Laboratory, Amsterdam University Medical Center
Classification: Benign. Review status: no assertion criteria provided. Collection method: clinical testing. Allele origin: germline. Affected: yes. Study: VKGL Data-share Consensus. Not counted in ClinVar's aggregate classification.

Literature cited by the submitters: PubMed 28873162 (cited by Department of Pathology and Laboratory Medicine, Sinai Health System).